The following is an entry in ClinVar:

NM_203446.3(SYNJ1):c.3811A>G (p.Met1271Val)

Gene: SYNJ1 (synaptojanin 1; minus strand). Cytogenetic location: 21q22.11.
Variant type: single nucleotide variant.
Coding change: c.3811A>G on transcript NM_203446.3 (MANE Select); coding-DNA position 3811, A replaced by G.
Protein change: p.Met1271Val; replaces methionine 1271 with valine.
Molecular consequence: missense variant.
Genome position (GRCh38, 1-based): chr21:32,639,012, T>C on the plus strand (A>G on the coding strand, the complement: SYNJ1 is on the minus strand). VCF-style: chr21-32639012-T-C. GRCh37 (hg19) VCF-style: chr21-34011322-T-C.
Other names: c.3763A>G, p.Met1255Val (NM_001160302.2); c.3670A>G, p.Met1224Val (NM_001160306.2); c.3928A>G, p.Met1310Val (NM_003895.4); short protein forms M1310V, M1224V, M1255V, M1271V.
Identifiers: ClinVar variation 544561 (VCV000544561.4), dbSNP rs751069566, ClinGen allele CA10003243.

ClinVar aggregate classification (germline): Uncertain significance (1 of 4 stars; one submission).

Conditions:
Early-onset Parkinson disease 20. Also called: PARKINSON DISEASE 20, AUTOSOMAL RECESSIVE EARLY-ONSET. Identifiers: Orphanet 391411, MedGen C3809824, MONDO:0014233, OMIM 615530.
Developmental and epileptic encephalopathy, 53. Also called: Epileptic encephalopathy, early infantile, 53. Identifiers: MedGen C4479313, MONDO:0033362, OMIM 617389.

Allele frequency attached by ClinVar (database versions not stated): TOPMed 0.00002; ExAC 0.00003; gnomAD 0.00003 and 0.00004; gnomAD exomes 0.00004.

Submission:

Labcorp Genetics (formerly Invitae), Labcorp
Classification: Uncertain significance for Developmental and epileptic encephalopathy, 53; Early-onset Parkinson disease 20. Last evaluated: 2022-09-01. Review status: criteria provided, single submitter. Criteria: Invitae Variant Classification Sherloc (09022015). Collection method: clinical testing. Allele origin: germline.
Comment: This sequence change replaces methionine, which is neutral and non-polar, with valine, which is neutral and non-polar, at codon 1310 of the SYNJ1 protein (p.Met1310Val). This variant is present in population databases (rs751069566, gnomAD 0.01%). This variant has not been reported in the literature in individuals affected with SYNJ1-related conditions. ClinVar contains an entry for this variant (Variation ID: 544561). Algorithms developed to predict the effect of missense changes on protein structure and function output the following: SIFT: "Tolerated"; PolyPhen-2: "Benign"; Align-GVGD: "Class C0". The valine amino acid residue is found in multiple mammalian species, which suggests that this missense change does not adversely affect protein function. In summary, the available evidence is currently insufficient to determine the role of this variant in disease. Therefore, it has been classified as a Variant of Uncertain Significance.